The following is an entry in ClinVar:

NM_176824.3(BBS7):c.526C>T (p.Gln176Ter)

Gene: BBS7 (Bardet-Biedl syndrome 7; minus strand). Cytogenetic location: 4q27.
Variant type: single nucleotide variant.
Coding change: c.526C>T on transcript NM_176824.3 (MANE Select); coding-DNA position 526, C replaced by T.
Protein change: p.Gln176Ter; replaces glutamine 176 with a stop codon.
Molecular consequence: nonsense.
Genome position (GRCh38, 1-based): chr4:121,858,994, G>A on the plus strand (C>T on the coding strand, the complement: BBS7 is on the minus strand). VCF-style: chr4-121858994-G-A. GRCh37 (hg19) VCF-style: chr4-122780149-G-A.
Other names: c.526C>T, p.Gln176Ter (NM_018190.4); short protein forms Q176*.
Identifiers: ClinVar variation 1687580 (VCV001687580.3), dbSNP rs2149084783, ClinGen allele CA358042691.

ClinVar aggregate classification (germline): Pathogenic/Likely pathogenic. Review status: criteria provided, multiple submitters, no conflicts (2 of 4 stars). 2 submissions from 2 submitters: Pathogenic (1); Likely pathogenic (1). Last evaluated 2024-02-05.

Conditions:
Bardet-Biedl syndrome 7 (BBS7). Identifiers: Orphanet 110, MedGen C1859565, MONDO:0014435, OMIM 615984.
Bardet-Biedl syndrome (BBS). Identifiers: Orphanet 110, MedGen C0752166, MONDO:0015229.

Submissions (2):

Labcorp Genetics (formerly Invitae), Labcorp
Classification: Pathogenic for Bardet-Biedl syndrome. Last evaluated: 2024-02-05. Review status: criteria provided, single submitter. Criteria: Invitae Variant Classification Sherloc (09022015). Collection method: clinical testing. Allele origin: germline.
Comment: This sequence change creates a premature translational stop signal (p.Gln176*) in the BBS7 gene. It is expected to result in an absent or disrupted protein product. Loss-of-function variants in BBS7 are known to be pathogenic (PMID: 12567324, 19402160, 21209035, 31196119). This variant is not present in population databases (gnomAD no frequency). This variant has not been reported in the literature in individuals affected with BBS7-related conditions. ClinVar contains an entry for this variant (Variation ID: 1687580). Algorithms developed to predict the effect of sequence changes on RNA splicing suggest that this variant may disrupt the consensus splice site. For these reasons, this variant has been classified as Pathogenic.

3billion
Classification: Likely pathogenic for Bardet-Biedl syndrome 7. Last evaluated: 2022-05-22. Review status: criteria provided, single submitter. Criteria: ACMG Guidelines, 2015. Collection method: clinical testing. Allele origin: germline. Affected: yes. Observed: 1 heterozygote.
Comment: The variant is not observed in the gnomAD v2.1.1 dataset. Stop-gained (nonsense): predicted to result in a loss or disruption of normal protein function through nonsense-mediated decay (NMD) or protein truncation. Multiple pathogenic variants are reported downstream of the variant. Therefore, this variant is classified as likely pathogenic according to the recommendation of ACMG/AMP guideline.

Literature cited by the submitters: PubMed 12567324 (cited by Labcorp Genetics (formerly Invitae), Labcorp); PubMed 19402160 (cited by Labcorp Genetics (formerly Invitae), Labcorp); PubMed 21209035 (cited by Labcorp Genetics (formerly Invitae), Labcorp); PubMed 31196119 (cited by Labcorp Genetics (formerly Invitae), Labcorp).